The following is an entry in ClinVar:

ClinVar aggregate classification (germline): Uncertain significance (1 of 4 stars; one submission).

Conditions:
Ataxia-telangiectasia syndrome (AT). Also called: ATAXIA-TELANGIECTASIA, COMPLEMENTATION GROUP A; ATAXIA-TELANGIECTASIA, FRESNO VARIANT; Ataxia-telangiectasia; Ataxia-telangiectasia, complementation group D; AT, COMPLEMENTATION GROUP C; Ataxia-telangiectasia, complementation group E. Identifiers: Orphanet 100, MedGen C0004135, MONDO:0008840, OMIM 208900.

Submission:

Labcorp Genetics (formerly Invitae), Labcorp
Classification: Uncertain significance for Ataxia-telangiectasia syndrome. Last evaluated: 2017-11-07. Review status: criteria provided, single submitter. Criteria: Invitae Variant Classification Sherloc (09022015). Collection method: clinical testing. Allele origin: germline.
Comment: This sequence change replaces alanine with aspartic acid at codon 1127 of the ATM protein (p.Ala1127Asp). The alanine residue is weakly conserved and there is a moderate physicochemical difference between alanine and aspartic acid. In summary, the available evidence is currently insufficient to determine the role of this variant in disease. Therefore, it has been classified as a Variant of Uncertain Significance. Algorithms developed to predict the effect of missense changes on protein structure and function do not agree on the potential impact of this missense change (SIFT: "Deleterious"; PolyPhen-2: "Benign"; Align-GVGD: "Class C15"). This variant has not been reported in the literature in individuals with ATM-related disease. This variant is not present in population databases (ExAC no frequency).

NM_000051.4(ATM):c.3380C>A (p.Ala1127Asp)

Gene: ATM (ATM serine/threonine kinase; plus strand). Cytogenetic location: 11q22.3.
Variant type: single nucleotide variant.
Coding change: c.3380C>A on transcript NM_000051.4 (MANE Select); coding-DNA position 3380, C replaced by A.
Protein change: p.Ala1127Asp; replaces alanine 1127 with aspartic acid.
Molecular consequence: missense variant.
Genome position (GRCh38, 1-based): chr11:108,279,586, C>A. VCF-style: chr11-108279586-C-A. GRCh37 (hg19) VCF-style: chr11-108150313-C-A.
Other names: c.3380C>A, p.Ala1127Asp (NM_001351834.2); short protein forms A1127D.
Identifiers: ClinVar variation 524326 (VCV000524326.7), dbSNP rs1555090340, ClinGen allele CA382517741.